The following is an entry in ClinVar:

NM_000517.6(HBA2):c.193G>A (p.Asp65Asn)

Genes: HBA2 (hemoglobin subunit alpha 2; plus strand), LOC106804612 (hemoglobin subunit alpha 2 recombination region; plus strand). Cytogenetic location: 16p13.3.
Variant type: single nucleotide variant.
Coding change: c.193G>A on transcript NM_000517.6 (MANE Select); coding-DNA position 193, G replaced by A.
Protein change: p.Asp65Asn; replaces aspartic acid 65 with asparagine.
Molecular consequence: missense variant.
Genome position (GRCh38, 1-based): chr16:173,222, G>A. VCF-style: chr16-173222-G-A. GRCh37 (hg19) VCF-style: chr16-223221-G-A.
Other names: short protein forms D65N.
Identifiers: ClinVar variation 994321 (VCV000994321.13), dbSNP rs281864849, ClinGen allele CA276414775.

ClinVar aggregate classification (germline): Conflicting classifications of pathogenicity. Review status: criteria provided, conflicting classifications (1 of 4 stars). 2 submissions from 2 submitters: Uncertain significance (1); Likely benign (1). Last evaluated 2025-07-31.

Allele frequency attached by ClinVar (database versions not stated): gnomAD exomes 0.00001 and below 0.00001.

Submissions (2):

Women's Health and Genetics/Laboratory Corporation of America, LabCorp
Classification: Uncertain significance. Last evaluated: 2025-07-31. Review status: criteria provided, single submitter. Criteria: LabCorp Variant Classification Summary - May 2015. Collection method: clinical testing. Allele origin: germline.
Comment: Variant summary: HBA2 c.193G>A (p.Asp65Asn) results in a conservative amino acid change located in the globin domain (IPR000971) of the encoded protein sequence. Algorithms developed to predict the effect of missense changes on protein structure and function all suggest that this variant is likely to be tolerated. The variant allele was found at a frequency of 3.9e-05 in 155296 control chromosomes. The available data on variant occurrences in the general population are insufficient to allow any conclusion about variant significance. c.193G>A has been reported in the heterozygous state in asymptomatic individuals and in the compound heterozyougs state in at least one indiviudal with symptoms consistent with being an alpha thalassemia carrier (e.g. Cantan_2016, Lin_2009, DiGeorge_2014, Landin_1994, Manca_1994). In addition, this variant has been reported in the heterozygous state in at least one individual with mild microcytic anemia who also had homozygous beta thalassemia variants (e.g. Baine_1979). To our knowledge, no experimental evidence demonstrating an impact on protein function has been reported. This variant is also known as Hb G-Waimanalo and Hb Aida. The following publications have been ascertained in the context of this evaluation (PMID: 500373, 27020723, 24594475, 8195011, 19010698, 21231928, 8195008). ClinVar contains an entry for this variant (Variation ID: 994321). Based on the evidence outlined above, the variant was classified as uncertain significance.

ARUP Laboratories, Molecular Genetics and Genomics, ARUP Laboratories
Classification: Likely benign. Last evaluated: 2022-11-18. Review status: criteria provided, single submitter. Criteria: ARUP Molecular Germline Variant Investigation Process 2021. Collection method: clinical testing. Allele origin: germline.

Literature cited by the submitters: PubMed 8195008 (cited by Women's Health and Genetics/Laboratory Corporation of America, LabCorp); PubMed 8195011 (cited by Women's Health and Genetics/Laboratory Corporation of America, LabCorp); PubMed 500373 (cited by Women's Health and Genetics/Laboratory Corporation of America, LabCorp); PubMed 27020723 (cited by Women's Health and Genetics/Laboratory Corporation of America, LabCorp); PubMed 24594475 (cited by Women's Health and Genetics/Laboratory Corporation of America, LabCorp); PubMed 19010698 (cited by Women's Health and Genetics/Laboratory Corporation of America, LabCorp); PubMed 21231928 (cited by Women's Health and Genetics/Laboratory Corporation of America, LabCorp).